The following is an entry in ClinVar:

ClinVar aggregate classification (germline): Uncertain significance. Review status: criteria provided, multiple submitters, no conflicts (2 of 4 stars). 3 submissions from 3 submitters: Uncertain significance (3). Last evaluated 2025-06-24.

Conditions:
Charcot-Marie-Tooth disease. Also called: Charcot-Marie-Tooth Neuropathy; Charcot-Marie-Tooth Hereditary Neuropathy. Identifiers: Orphanet 166, MedGen C0007959, MONDO:0015626.
SH3TC2-related disorder. Also called: SH3TC2-related disorders; SH3TC2-related condition. Identifiers: MedGen CN239303.

Allele frequency attached by ClinVar (database versions not stated): gnomAD 0.00002; gnomAD exomes 0.00004 and 0.00002; ExAC 0.00005; TOPMed 0.00003.

Submissions (3):

PreventionGenetics, part of Exact Sciences
Classification: Uncertain significance for SH3TC2-related condition. Last evaluated: 2025-06-24. Review status: criteria provided, single submitter. Criteria: ACMG Guidelines, 2015. Collection method: clinical testing. Allele origin: germline.
Comment: The SH3TC2 c.1349C>T variant is predicted to result in the amino acid substitution p.Pro450Leu. To our knowledge, this variant has not been reported in the literature. This variant is reported in 0.023% of alleles in individuals of South Asian descent in gnomAD. At this time, the clinical significance of this variant is uncertain due to the absence of conclusive functional and genetic evidence.

Blueprint Genetics
Classification: Uncertain significance. Last evaluated: 2024-07-31. Review status: criteria provided, single submitter. Criteria: ACMG Guidelines, 2015. Collection method: clinical testing. Allele origin: germline.

Molecular Genetics Laboratory, London Health Sciences Centre
Classification: Uncertain significance for Charcot-Marie-Tooth disease. Review status: criteria provided, single submitter. Criteria: ACMG Guidelines, 2015. Collection method: clinical testing. Allele origin: germline. Affected: yes.

NM_024577.4(SH3TC2):c.1349C>T (p.Pro450Leu)

Gene: SH3TC2 (SH3 domain and tetratricopeptide repeats 2; minus strand). Cytogenetic location: 5q32.
Variant type: single nucleotide variant.
Coding change: c.1349C>T on transcript NM_024577.4 (MANE Select); coding-DNA position 1349, C replaced by T.
Protein change: p.Pro450Leu; replaces proline 450 with leucine.
Molecular consequence: missense variant.
Genome position (GRCh38, 1-based): chr5:149,028,383, G>A on the plus strand (C>T on the coding strand, the complement: SH3TC2 is on the minus strand). VCF-style: chr5-149028383-G-A. GRCh37 (hg19) VCF-style: chr5-148407946-G-A.
Other names: short protein forms P450L.
Identifiers: ClinVar variation 916845 (VCV000916845.3), dbSNP rs759614174, ClinGen allele CA3499189.